The following is an entry in ClinVar:

ClinVar aggregate classification (germline): Pathogenic. Review status: reviewed by expert panel (3 of 4 stars). 16 submissions from 15 submitters: Pathogenic (1). 15 of the submissions do not count toward it. Last evaluated 2017-03-17.

Conditions:
CFTR-related disorder (CFTR-RD). Also called: CFTR-related condition; CFTR-related disorders. Identifiers: MedGen C5924204, MONDO:7770004.
Congenital bilateral aplasia of vas deferens from CFTR mutation (CBAVD). Identifiers: Orphanet 48, MedGen C0403814, MONDO:0010178, OMIM 277180. Disease mechanism: loss of function.
Cystic fibrosis (CF). Also called: MUCOVISCIDOSIS. Identifiers: Orphanet 586, MedGen C0010674, MONDO:0009061, OMIM 219700. Disease mechanism: loss of function.
Bronchiectasis with or without elevated sweat chloride 1 (BESC1). Also called: Cystic Fibrosis-Like Syndrome. Identifiers: Orphanet 60033, MedGen C2749757, MONDO:0008887, OMIM 211400.
Type 2 diabetes mellitus. Also called: Type II diabetes mellitus. Identifiers: MedGen C0011860, MeSH D003924, MONDO:0005148, OMIM 125853, HP:0005978.

Allele frequency attached by ClinVar (database versions not stated): gnomAD exomes below 0.00001 and 0.00001; ExAC 0.00001; gnomAD 0.00001; TOPMed 0.00001.

Submissions 1 to 11 of 16:

CFTR2
Classification: Pathogenic for Cystic fibrosis. Last evaluated: 2017-03-17. Review status: reviewed by expert panel. Criteria: Sosnay PR et al. (Nat Genet 2013). Collection method: research. Allele origin: germline. Affected: yes. Study: CFTR2.

Natera, Inc.
Classification: Pathogenic for CFTR-related disorders. Last evaluated: 2025-11-05. Review status: criteria provided, single submitter. Criteria: Natera Variant Classification Schema (03/2026). Collection method: clinical testing. Allele origin: germline. Not counted in ClinVar's aggregate classification.
Comment: The c.2290C>T variant in CFTR is a nonsense variant predicted to introduce a stop codon at amino acid 764. This variant is expected to result in nonsense mediated decay, truncation, or a dysfunctional protein product. This variant is rare in the general population with a frequency below the threshold expected for the associated phenotype(s). This variant has been observed in one or more individuals affected with the associated recessive disease, as either homozygous or compound heterozygous with a second variant (PMID: 21909392). Given the available evidence, this variant is classified as Pathogenic.

ARUP Laboratories, Molecular Genetics and Genomics, ARUP Laboratories
Classification: Pathogenic for Cystic fibrosis. Last evaluated: 2025-05-15. Review status: criteria provided, single submitter. Criteria: ARUP Molecular Germline Variant Investigation Process 2024. Collection method: clinical testing. Allele origin: germline. Not counted in ClinVar's aggregate classification.
Comment: The CFTR c.2290C>T; p.Arg764Ter variant (rs121908810, ClinVar Variation ID: 53471), is reported in the literature in several individuals with cystic fibrosis, and is often associated with pancreatic insufficiency (CFTR2 database, Sosnay 2013, Strandvik 2001, Varkki 2024). This variant is only observed on two alleles in the Genome Aggregation Database (v2.1.1), indicating it is not a common polymorphism. This variant induces an early termination codon and is predicted to result in a truncated protein or mRNA subject to nonsense-mediated decay. Based on available information, this variant is considered to be pathogenic. References: CFTR2 database: Sosnay PR et al. Defining the disease liability of variants in the cystic fibrosis transmembrane conductance regulator gene. Nat Genet. 2013 Oct;45(10):1160-7. PMID: 23974870 Strandvik B et al. Spectrum of mutations in the CFTR gene of patients with classical and atypical forms of cystic fibrosis from southwestern Sweden: identification of 12 novel mutations. Genet Test. 2001 Fall;5(3):235-42. PMID: 11788090. Varkki SD et al. CFTR mutations and phenotypic correlations in people with cystic fibrosis: a retrospective study from a single centre in south India. Lancet Reg Health Southeast Asia. 2024 Jun 11;27:100434. PMID: 38966678.

Johns Hopkins Genomics, Johns Hopkins University
Classification: Pathogenic for Cystic fibrosis. Last evaluated: 2025-04-07. Review status: criteria provided, single submitter. Criteria: ACMG Guidelines, 2015. Collection method: clinical testing. Allele origin: germline. Not counted in ClinVar's aggregate classification.
Comment: Disease-causing CFTR variant. See CFTR2 for phenotype information.

Labcorp Genetics (formerly Invitae), Labcorp
Classification: Pathogenic for Cystic fibrosis. Last evaluated: 2025-02-11. Review status: criteria provided, single submitter. Criteria: Invitae Variant Classification Sherloc (09022015). Collection method: clinical testing. Allele origin: germline. Not counted in ClinVar's aggregate classification.
Comment: This sequence change creates a premature translational stop signal (p.Arg764*) in the CFTR gene. It is expected to result in an absent or disrupted protein product. Loss-of-function variants in CFTR are known to be pathogenic (PMID: 1695717, 7691345, 9725922). This variant is present in population databases (rs121908810, gnomAD 0.004%). This premature translational stop signal has been observed in individual(s) with cystic fibrosis or congenital bilateral absence of the vas deferens (PMID: 8956039, 21097845, 21520337, 23974870, 27086061, 28544683, 28603918). ClinVar contains an entry for this variant (Variation ID: 53471). For these reasons, this variant has been classified as Pathogenic.

Quest Diagnostics Nichols Institute San Juan Capistrano
Classification: Pathogenic. Last evaluated: 2025-02-06. Review status: criteria provided, single submitter. Criteria: Quest Diagnostics criteria. Collection method: clinical testing. Allele origin: unknown. Not counted in ClinVar's aggregate classification.
Comment: The c.2290C>T (p.Arg764*) variant in the CFTR gene causes the premature termination of CFTR protein synthesis. In the published literature, this variant has been reported in individuals with CF ((PMIDs: 37833986 (2023), 35858753 (2022), 34860163 (2021), 34377682 (2021), 32429104 (2020), 28544683 (2017), 21097845 (2011), 8956039 (1996)) as well as CBAVD (PMID: 21520337 (2011)). The frequency of this variant in the general population (Genome Aggregation Database) is consistent with pathogenicity. Based on the available information, this variant is classified as pathogenic.

PreventionGenetics, part of Exact Sciences
Classification: Pathogenic for CFTR-related condition. Last evaluated: 2024-12-05. Review status: criteria provided, single submitter. Criteria: ACMG Guidelines, 2015. Collection method: clinical testing. Allele origin: germline. Not counted in ClinVar's aggregate classification.
Comment: The CFTR c.2290C>T variant is predicted to result in premature protein termination (p.Arg764*). This variant has been reported in several individuals with CFTR-related disorders (Hughes et al. 1996. PubMed ID: 8956039; Sheridan et al. 2010. PubMed ID: 21097845; Sosnay et al. 2013. PubMed ID: 23974870). This variant is reported in 0.0042% of alleles in individuals of European (Finnish) descent in gnomAD. Nonsense variants in CFTR are expected to be pathogenic. This variant is interpreted as pathogenic.

Baylor Genetics
Classification: Pathogenic for Bronchiectasis with or without elevated sweat chloride 1. Last evaluated: 2024-01-27. Review status: criteria provided, single submitter. Criteria: ACMG Guidelines, 2015. Collection method: clinical testing. Allele origin: unknown. Not counted in ClinVar's aggregate classification.

Blueprint Genetics
Classification: Pathogenic for CFTR-related disorders. Last evaluated: 2023-11-22. Review status: criteria provided, single submitter. Criteria: ACMG Guidelines, 2015. Collection method: clinical testing. Allele origin: germline. Affected: yes. Observed: 3 variant alleles. Not counted in ClinVar's aggregate classification.

Ambry Genetics
Classification: Pathogenic for Cystic fibrosis. Last evaluated: 2022-08-17. Review status: criteria provided, single submitter. Criteria: Ambry Variant Classification Scheme 2023. Collection method: clinical testing. Allele origin: germline. Not counted in ClinVar's aggregate classification.
Comment: The p.R764* pathogenic mutation (also known as c.2290C>T), located in coding exon 14 of the CFTR gene, results from a C to T substitution at nucleotide position 2290. This changes the amino acid from an arginine to a stop codon within coding exon 14. In one study, this mutation was described in 3 individuals with classic cystic fibrosis; one individual was homozygous for this alteration (Strandvik B et al. Genet. Test., 2001;5:235-42). This pathogenic mutation is associated with elevated sweat chloride levels and pancreatic insufficiency (Sosnay PR et al. Nat. Genet., 2013 Oct;45:1160-7). In addition to the clinical data presented in the literature, this alteration is expected to result in loss of function by premature protein truncation or nonsense-mediated mRNA decay. As such, this alteration is interpreted as a disease-causing mutation.

Women's Health and Genetics/Laboratory Corporation of America, LabCorp
Classification: Pathogenic for Cystic fibrosis. Last evaluated: 2020-01-13. Review status: criteria provided, single submitter. Criteria: LabCorp Variant Classification Summary - May 2015. Collection method: clinical testing. Allele origin: germline. Not counted in ClinVar's aggregate classification.
Comment: Variant summary: CFTR c.2290C>T (p.Arg764X) results in a premature termination codon, predicted to cause a truncation of the encoded protein or absence of the protein due to nonsense mediated decay, which are commonly known mechanisms for disease. Truncations downstream of this position have been classified as pathogenic by our laboratory. The variant allele was found at a frequency of 4.4e-06 in 226822 control chromosomes. c.2290C>T has been well reported in the literature in multiple individuals affected with Cystic Fibrosis (example, Hughes_1996, Roth_2011, Sosnay_2013). These data indicate that the variant is very likely to be associated with disease. At least one publication reports experimental evidence evaluating an impact on protein function. The most pronounced variant effect results in NMRD (nonsense-mediated RNA decay) (Sheridan_2011). Three clinical diagnostic laboratories and one expert panel (CFTR2) have submitted clinical-significance assessments for this variant to ClinVar after 2014 without evidence for independent evaluation. All laboratories classified the variant as pathogenic. Based on the evidence outlined above, the variant was classified as pathogenic.

NM_000492.4(CFTR):c.2290C>T (p.Arg764Ter)

Gene: CFTR (CF transmembrane conductance regulator; plus strand). Cytogenetic location: 7q31.2.
Variant type: single nucleotide variant.
Coding change: c.2290C>T on transcript NM_000492.4 (MANE Select); coding-DNA position 2290, C replaced by T.
Protein change: p.Arg764Ter; replaces arginine 764 with a stop codon.
Molecular consequence: nonsense.
Genome position (GRCh38, 1-based): chr7:117,592,457, C>T. VCF-style: chr7-117592457-C-T. GRCh37 (hg19) VCF-style: chr7-117232511-C-T.
Other names: short protein forms R764*.
Identifiers: ClinVar variation 53471 (VCV000053471.35), dbSNP rs121908810, ClinGen allele CA328100.
Genomic context (GRCh38, chr7:117,592,457, plus strand): 5'-CAGGGAGAGGCGATACTGCCTCGCATCAGCGTGATCAGCACTGGCCCCACGCTTCAGGCA[C>T]GAAGGAGGCAGTCTGTCCTGAACCTGATGACACACTCAGTTAACCAAGGTCAGAACATTC-3'